The following is an entry in ClinVar:

ClinVar aggregate classification (germline): Pathogenic (1 of 4 stars; one submission).

Conditions:
Congenital myasthenic syndrome 4A. Also called: Myasthenic syndrome, congenital, 4a, slow-channel; CONGENITAL MYASTHENIC SYNDROME TYPE Ia1; MYASTHENIC SYNDROME, CONGENITAL, 4A, SLOW-CHANNEL, AUTOSOMAL RECESSIVE. Identifiers: Orphanet 590, MedGen C4225413, MONDO:0011600, OMIM 605809.

Submission:

Labcorp Genetics (formerly Invitae), Labcorp
Classification: Pathogenic for Congenital myasthenic syndrome 4A. Last evaluated: 2023-06-01. Review status: criteria provided, single submitter. Criteria: Invitae Variant Classification Sherloc (09022015). Collection method: clinical testing. Allele origin: unknown.
Comment: This variant is a gross deletion of the genomic region encompassing exon(s) 3-5 of the CHRNE gene. This deletion is out-of-frame, and is expected to create a premature termination codon and result in an absent or disrupted protein product. Loss-of-function variants in CHRNE are known to be pathogenic (PMID: 22678886). For these reasons, this variant has been classified as Pathogenic. This variant has not been reported in the literature in individuals affected with CHRNE-related conditions.

Literature cited by the submitters: PubMed 22678886.

NC_000017.10:g.(?_4804937)_(4805847_?)del

Genes: C17orf107 (chromosome 17 open reading frame 107; plus strand), CHRNE (cholinergic receptor nicotinic epsilon subunit; minus strand). Cytogenetic location: 17p13.2.
Variant type: Deletion.
Identifiers: ClinVar variation 3243046 (VCV003243046.1).